The following is an entry in ClinVar:

NM_022124.6(CDH23):c.4747G>A (p.Gly1583Ser)

Gene: CDH23 (cadherin related 23; plus strand). Cytogenetic location: 10q22.1.
Variant type: single nucleotide variant.
Coding change: c.4747G>A on transcript NM_022124.6 (MANE Select); coding-DNA position 4747, G replaced by A.
Protein change: p.Gly1583Ser; replaces glycine 1583 with serine.
Molecular consequence: missense variant.
Genome position (GRCh38, 1-based): chr10:71,741,823, G>A. VCF-style: chr10-71741823-G-A. GRCh37 (hg19) VCF-style: chr10-73501580-G-A.
Other names: short protein forms G1583S.
Identifiers: ClinVar variation 1484563 (VCV001484563.11), dbSNP rs775013186, ClinGen allele CA5545138.

ClinVar aggregate classification (germline): Conflicting classifications of pathogenicity. Review status: criteria provided, conflicting classifications (1 of 4 stars). 6 submissions from 6 submitters: Pathogenic (1); Likely pathogenic (4); Uncertain significance (1). Last evaluated 2026-07-08.

Conditions:
Pituitary adenoma 5, multiple types. Identifiers: MedGen C4539685, MONDO:0054601, OMIM 617540.
CDH23-related disorder. Also called: CDH23-related condition; CDH23-related disorders.
Usher syndrome type 1 (USH1). Also called: RETINITIS PIGMENTOSA AND CONGENITAL DEAFNESS. Identifiers: Orphanet 231169, Orphanet 886, MedGen C1568247, MONDO:0010168, OMIM 276900.
Autosomal recessive nonsyndromic hearing loss 12. Also called: DEAFNESS, AUTOSOMAL RECESSIVE 12. Identifiers: Orphanet 90636, MedGen C1832394, MONDO:0011067, OMIM 601386.

gnomAD v4.1: 10 of 1,611,822 alleles (0.00062%); highest among the groups gnomAD compares: South Asian, 0.0033%; no homozygotes.

Submissions (6):

PreventionGenetics, part of Exact Sciences
Classification: Likely pathogenic for CDH23-related condition. Last evaluated: 2026-07-08. Review status: criteria provided, single submitter. Criteria: ACMG Guidelines, 2015. Collection method: clinical testing. Allele origin: germline.
Comment: The CDH23 c.4747G>A variant is predicted to result in the amino acid substitution p.Gly1583Ser. This variant has been reported in the compound heterozygous state to a pathogenic variant in two individuals with hearing loss, along with a second pathogenic variant with unconfirmed phase in a third affected individual, and along with a variant of uncertain significance in a fourth affected individual (Table S2, Usami et al. 2022. PubMed ID: 35020051; Table S6, Wu et al. 2022. PubMed ID: 35982127). This variant is reported in 0.0067% of alleles in individuals of South Asian descent in gnomAD. This variant is interpreted as likely pathogenic.

Natera, Inc.
Classification: Likely pathogenic for Usher syndrome type 1. Last evaluated: 2025-10-03. Review status: criteria provided, single submitter. Criteria: Natera Variant Classification Schema (03/2026). Collection method: clinical testing. Allele origin: germline.
Comment: The c.4747G>A variant in CDH23 is a missense variant predicted to cause substitution of glycine to serine at amino acid 1583. This variant is rare in the general population with a frequency below the threshold expected for the associated phenotype(s). This variant has been observed in one or more individuals affected with the associated recessive disease, as either homozygous or compound heterozygous with a second variant (PMID: 35020051). This variant has been identified in one or more affected individual with a phenotype highly consistent with the associated gene (PMID: 35020051). Computational prediction algorithms indicate this variant is likely to affect gene or protein function. Given the available evidence, this variant is classified as Likely Pathogenic.

Department of Genetics, Rouen University Hospital, Normandy Center for Genomic and Personalized Medicine
Classification: Likely pathogenic for Autosomal recessive nonsyndromic hearing loss 12. Last evaluated: 2025-07-15. Review status: criteria provided, single submitter. Criteria: ACMG Guidelines, 2015. Collection method: clinical testing. Allele origin: biparental. Affected: yes.

Labcorp Genetics (formerly Invitae), Labcorp
Classification: Pathogenic. Last evaluated: 2024-12-18. Review status: criteria provided, single submitter. Criteria: Invitae Variant Classification Sherloc (09022015). Collection method: clinical testing. Allele origin: germline.
Comment: This sequence change replaces glycine, which is neutral and non-polar, with serine, which is neutral and polar, at codon 1583 of the CDH23 protein (p.Gly1583Ser). This variant is present in population databases (rs775013186, gnomAD 0.007%). This missense change has been observed in individual(s) with deafness (PMID: 25963016, 35020051, 35982127). In at least one individual the data is consistent with being in trans (on the opposite chromosome) from a pathogenic variant. ClinVar contains an entry for this variant (Variation ID: 1484563). Invitae Evidence Modeling of protein sequence and biophysical properties (such as structural, functional, and spatial information, amino acid conservation, physicochemical variation, residue mobility, and thermodynamic stability) has been performed for this missense variant. However, the output from this modeling did not meet the statistical confidence thresholds required to predict the impact of this variant on CDH23 protein function. For these reasons, this variant has been classified as Pathogenic.

Baylor Genetics
Classification: Likely pathogenic for Pituitary adenoma 5, multiple types. Last evaluated: 2024-03-28. Review status: criteria provided, single submitter. Criteria: ACMG Guidelines, 2015. Collection method: clinical testing. Allele origin: unknown.

Women's Health and Genetics/Laboratory Corporation of America, LabCorp
Classification: Uncertain significance. Last evaluated: 2023-08-10. Review status: criteria provided, single submitter. Criteria: LabCorp Variant Classification Summary - May 2015. Collection method: clinical testing. Allele origin: germline.
Comment: Variant summary: CDH23 c.4747G>A (p.Gly1583Ser) results in a non-conservative amino acid change in the encoded protein sequence. Five of five in-silico tools predict a damaging effect of the variant on protein function. The variant allele was found at a frequency of 8.2e-06 in 243908 control chromosomes (gnomAD). The available data on variant occurrences in the general population are insufficient to allow any conclusion about variant significance. c.4747G>A has been reported in the literature in an individual affected with hearing loss (example: Wu_2022). This report does not provide unequivocal conclusions about association of the variant with Usher Syndrome. To our knowledge, no experimental evidence demonstrating an impact on protein function has been reported. The following publications have been ascertained in the context of this evaluation (PMID: 25963016, 35020051, 35982127). One submitter has cited clinical-significance assessments for this variant to ClinVar after 2014 and has classified the variant as uncertain significance. Based on the evidence outlined above, the variant was classified as uncertain significance.

Literature cited by the submitters: PubMed 35020051 (cited by 3 submitters); PubMed 25963016 (cited by Labcorp Genetics (formerly Invitae), Labcorp and Women's Health and Genetics/Laboratory Corporation of America, LabCorp); PubMed 35982127 (cited by Labcorp Genetics (formerly Invitae), Labcorp and Women's Health and Genetics/Laboratory Corporation of America, LabCorp).